The following is an entry in ClinVar:

NM_001164665.2(KIAA1549):c.3539A>C (p.Glu1180Ala)

Gene: KIAA1549 (KIAA1549; minus strand). Cytogenetic location: 7q34.
Variant type: single nucleotide variant.
Coding change: c.3539A>C on transcript NM_001164665.2 (MANE Select); coding-DNA position 3539, A replaced by C.
Protein change: p.Glu1180Ala; replaces glutamic acid 1180 with alanine.
Molecular consequence: missense variant.
Genome position (GRCh38, 1-based): chr7:138,903,718, T>G on the plus strand (A>C on the coding strand, the complement: KIAA1549 is on the minus strand). VCF-style: chr7-138903718-T-G. GRCh37 (hg19) VCF-style: chr7-138588464-T-G.
Other names: c.3539A>C, p.Glu1180Ala (NM_020910.3); short protein forms E1180A.
Identifiers: ClinVar variation 938258 (VCV000938258.9), dbSNP rs764356219, ClinGen allele CA4506182.

ClinVar aggregate classification (germline): Uncertain significance (1 of 4 stars; one submission).

Allele frequency attached by ClinVar (database versions not stated): gnomAD exomes below 0.00001; TOPMed below 0.00001; gnomAD 0.00001; ExAC 0.00002.
gnomAD v4.1: 3 of 1,600,910 alleles (0.00019%); highest among the groups gnomAD compares: East Asian, 0.0068%; no homozygotes.

Submission:

Labcorp Genetics (formerly Invitae), Labcorp
Classification: Uncertain significance. Last evaluated: 2023-10-13. Review status: criteria provided, single submitter. Criteria: Invitae Variant Classification Sherloc (09022015). Collection method: clinical testing. Allele origin: germline.
Comment: This sequence change replaces glutamic acid, which is acidic and polar, with alanine, which is neutral and non-polar, at codon 1180 of the KIAA1549 protein (p.Glu1180Ala). This variant is not present in population databases (gnomAD no frequency). This variant has not been reported in the literature in individuals affected with KIAA1549-related conditions. ClinVar contains an entry for this variant (Variation ID: 938258). An algorithm developed to predict the effect of missense changes on protein structure and function (PolyPhen-2) suggests that this variant is likely to be disruptive. In summary, the available evidence is currently insufficient to determine the role of this variant in disease. Therefore, it has been classified as a Variant of Uncertain Significance.